The following is an entry in ClinVar:

NM_030962.4(SBF2):c.2789C>A (p.Thr930Lys)

Genes: SBF2 (SET binding factor 2; minus strand), LOC101928008 (uncharacterized LOC101928008; plus strand). Cytogenetic location: 11p15.4.
Variant type: single nucleotide variant.
Coding change: c.2789C>A on transcript NM_030962.4 (MANE Select); coding-DNA position 2789, C replaced by A.
Protein change: p.Thr930Lys; replaces threonine 930 with lysine.
Molecular consequence: missense variant.
Genome position (GRCh38, 1-based): chr11:9,850,040, G>T on the plus strand (C>A on the coding strand, the complement: SBF2 is on the minus strand). VCF-style: chr11-9850040-G-T. GRCh37 (hg19) VCF-style: chr11-9871587-G-T.
Other names: c.2789C>A, p.Thr930Lys (NM_001386339.1); c.2660C>A, p.Thr887Lys (NM_001386342.1); short protein forms T887K, T930K.
Identifiers: ClinVar variation 1058919 (VCV001058919.9), dbSNP rs755578344, ClinGen allele CA379635387.

ClinVar aggregate classification (germline): Uncertain significance (1 of 4 stars; one submission).

Conditions:
Charcot-Marie-Tooth disease type 4. Also called: Charcot-Marie-Tooth, Type 4; Charcot-Marie-Tooth disease, type IV. Identifiers: Orphanet 64749, MedGen C4082197, MONDO:0018995.

gnomAD v4.1: 5 of 1,614,022 alleles (0.00031%); highest among the groups gnomAD compares: Non-Finnish European, 0.00042%; no homozygotes.

Submission:

Labcorp Genetics (formerly Invitae), Labcorp
Classification: Uncertain significance for Charcot-Marie-Tooth disease type 4. Last evaluated: 2025-01-24. Review status: criteria provided, single submitter. Criteria: Invitae Variant Classification Sherloc (09022015). Collection method: clinical testing. Allele origin: germline.
Comment: This sequence change replaces threonine, which is neutral and polar, with lysine, which is basic and polar, at codon 930 of the SBF2 protein (p.Thr930Lys). This variant is not present in population databases (gnomAD no frequency). This variant has not been reported in the literature in individuals affected with SBF2-related conditions. ClinVar contains an entry for this variant (Variation ID: 1058919). Invitae Evidence Modeling of protein sequence and biophysical properties (such as structural, functional, and spatial information, amino acid conservation, physicochemical variation, residue mobility, and thermodynamic stability) indicates that this missense variant is not expected to disrupt SBF2 protein function with a negative predictive value of 80%. In summary, the available evidence is currently insufficient to determine the role of this variant in disease. Therefore, it has been classified as a Variant of Uncertain Significance.